The following is an entry in ClinVar:

NM_001040142.2(SCN2A):c.3675+9T>C

Gene: SCN2A (sodium voltage-gated channel alpha subunit 2; plus strand). Cytogenetic location: 2q24.3.
Variant type: single nucleotide variant.
Coding change: c.3675+9T>C on transcript NM_001040142.2 (MANE Select); 9 bases into the intron after coding-DNA position 3675, T replaced by C.
Molecular consequence: intron variant.
Genome position (GRCh38, 1-based): chr2:165,367,380, T>C. VCF-style: chr2-165367380-T-C. GRCh37 (hg19) VCF-style: chr2-166223890-T-C.
Other names: c.3675+9T>C (NM_001371246.1, NM_001371247.1, NM_021007.3 and 1 more transcripts).
Identifiers: ClinVar variation 669481 (VCV000669481.10), dbSNP rs372657571, ClinGen allele CA1940149.

ClinVar aggregate classification (germline): Likely benign. Review status: criteria provided, multiple submitters, no conflicts (2 of 4 stars). 2 submissions from 2 submitters: Likely benign (2). Last evaluated 2026-02-03.

Conditions:
Developmental and epileptic encephalopathy, 11 (DEE11). Also called: Early infantile epileptic encephalopathy 11. Identifiers: Orphanet 1934, MedGen C3150987, MONDO:0013388, OMIM 613721.
Seizures, benign familial infantile, 3 (BFIS3). Also called: CONVULSIONS, BENIGN FAMILIAL INFANTILE, 3; Familial neonatal seizures. Identifiers: Orphanet 140927, Orphanet 306, MedGen C1843140, MONDO:0011904, OMIM 607745.

Allele frequency attached by ClinVar (database versions not stated): gnomAD 0.00002 and 0.00003; TOPMed 0.00002; ExAC 0.00003; gnomAD exomes 0.00003 and 0.00005; ESP Exome Variant Server 0.00008.
gnomAD v4.1: 74 of 1,613,842 alleles (0.0046%); highest among the groups gnomAD compares: Non-Finnish European, 0.0058%; no homozygotes.

Submissions (2):

Labcorp Genetics (formerly Invitae), Labcorp
Classification: Likely benign for Seizures, benign familial infantile, 3; Developmental and epileptic encephalopathy, 11. Last evaluated: 2026-02-03. Review status: criteria provided, single submitter. Criteria: Invitae Variant Classification Sherloc (09022015). Collection method: clinical testing. Allele origin: germline.

GeneDx
Classification: Likely benign. Last evaluated: 2018-04-04. Review status: criteria provided, single submitter. Criteria: GeneDx Variant Classification (06012015). Collection method: clinical testing. Allele origin: germline. Affected: yes.
Comment: This variant is considered likely benign or benign based on one or more of the following criteria: it is a conservative change, it occurs at a poorly conserved position in the protein, it is predicted to be benign by multiple in silico algorithms, and/or has population frequency not consistent with disease.